The following is an entry in ClinVar:

ClinVar aggregate classification (germline): Uncertain significance. Review status: criteria provided, multiple submitters, no conflicts (2 of 4 stars). 2 submissions from 2 submitters: Uncertain significance (2). Last evaluated 2024-11-23.

Conditions:
Cardiovascular phenotype. Identifiers: MedGen CN230736.
DK1-congenital disorder of glycosylation. Also called: CDG Im; DK1 DEFICIENCY; DOLICHOL KINASE DEFICIENCY; CONGENITAL DISORDER OF GLYCOSYLATION, TYPE Im; DK1-CDG; DOLK-congenital disorder of glycosylation. Identifiers: Orphanet 91131, MedGen C1835849, MONDO:0012556, OMIM 610768.

Submissions (2):

Ambry Genetics
Classification: Uncertain significance for Cardiovascular phenotype. Last evaluated: 2024-11-23. Review status: criteria provided, single submitter. Criteria: Ambry Variant Classification Scheme 2023. Collection method: clinical testing. Allele origin: germline.
Comment: The p.P425S variant (also known as c.1273C>T), located in coding exon 1 of the DOLK gene, results from a C to T substitution at nucleotide position 1273. The proline at codon 425 is replaced by serine, an amino acid with similar properties. This amino acid position is conserved. In addition, this alteration is predicted to be tolerated by in silico analysis. Based on the available evidence, the clinical significance of this variant remains unclear.

Labcorp Genetics (formerly Invitae), Labcorp
Classification: Uncertain significance for DK1-congenital disorder of glycosylation. Last evaluated: 2021-09-18. Review status: criteria provided, single submitter. Criteria: Invitae Variant Classification Sherloc (09022015). Collection method: clinical testing. Allele origin: germline.
Comment: This sequence change replaces proline with serine at codon 425 of the DOLK protein (p.Pro425Ser). The proline residue is moderately conserved and there is a moderate physicochemical difference between proline and serine. This variant is not present in population databases (ExAC no frequency). This variant has not been reported in the literature in individuals affected with DOLK-related conditions. Algorithms developed to predict the effect of missense changes on protein structure and function (SIFT, PolyPhen-2, Align-GVGD) all suggest that this variant is likely to be tolerated. In summary, the available evidence is currently insufficient to determine the role of this variant in disease. Therefore, it has been classified as a Variant of Uncertain Significance.

NM_014908.4(DOLK):c.1273C>T (p.Pro425Ser)

Gene: DOLK (dolichol kinase; minus strand). Cytogenetic location: 9q34.11.
Variant type: single nucleotide variant.
Coding change: c.1273C>T on transcript NM_014908.4 (MANE Select); coding-DNA position 1273, C replaced by T.
Protein change: p.Pro425Ser; replaces proline 425 with serine.
Molecular consequence: missense variant.
Genome position (GRCh38, 1-based): chr9:128,946,031, G>A on the plus strand (C>T on the coding strand, the complement: DOLK is on the minus strand). VCF-style: chr9-128946031-G-A. GRCh37 (hg19) VCF-style: chr9-131708310-G-A.
Other names: c.1273C>T (NM_014908.3); short protein forms P425S.
Identifiers: ClinVar variation 1366326 (VCV001366326.4), dbSNP rs2131127164, ClinGen allele CA375118367.
Genomic context (GRCh38, chr9:128,946,031, plus strand): 5'-GGACACCGGCATAGGGGACGAGGGCCCTGGCTCCTCCCAGGCTACCCTTCTGTGTGCAGG[G>A]TCTGGGGATCAGCCAGATGGGAAGAGACATGCCCAGGAGCAGGTAGATGTGTGTCAGAAT-3'
Protein context (NP_055723.1, residues 415-435): MSLPIWLIPR[Pro425Ser]CTQKGSLGGA